The following is an entry in ClinVar:

ClinVar aggregate classification (germline): Uncertain significance (1 of 4 stars; one submission).

gnomAD v4.1: 13 of 1,613,278 alleles (0.00081%); highest among the groups gnomAD compares: East Asian, 0.029%; no homozygotes.

Submission:

Labcorp Genetics (formerly Invitae), Labcorp
Classification: Uncertain significance. Last evaluated: 2026-01-18. Review status: criteria provided, single submitter. Criteria: Invitae Variant Classification Sherloc (09022015). Collection method: clinical testing. Allele origin: germline.
Comment: This sequence change replaces phenylalanine, which is neutral and non-polar, with leucine, which is neutral and non-polar, at codon 333 of the ROBO2 protein (p.Phe333Leu). This variant is present in population databases (rs780055779, gnomAD 0.03%). This variant has not been reported in the literature in individuals affected with ROBO2-related conditions. Invitae Evidence Modeling of protein sequence and biophysical properties (such as structural, functional, and spatial information, amino acid conservation, physicochemical variation, residue mobility, and thermodynamic stability) indicates that this missense variant is not expected to disrupt ROBO2 protein function with a negative predictive value of 95%. In summary, the available evidence is currently insufficient to determine the role of this variant in disease. Therefore, it has been classified as a Variant of Uncertain Significance.

NM_001395656.1(ROBO2):c.1011T>A (p.Phe337Leu)

Gene: ROBO2 (roundabout guidance receptor 2; plus strand). Cytogenetic location: 3p12.3.
Variant type: single nucleotide variant.
Coding change: c.1011T>A on transcript NM_001395656.1 (MANE Select); coding-DNA position 1011, T replaced by A.
Protein change: p.Phe337Leu; replaces phenylalanine 337 with leucine.
Molecular consequence: missense variant. On other transcripts: 5 prime UTR variant (1).
Genome position (GRCh38, 1-based): chr3:77,546,402, T>A. VCF-style: chr3-77546402-T-A. GRCh37 (hg19) VCF-style: chr3-77595553-T-A.
Other names: c.1047T>A, p.Phe349Leu (NM_001128929.3); c.1011T>A, p.Phe337Leu (NM_001290039.2, NM_001290040.2, NM_001378202.1); c.-920T>A (NM_001290065.2); c.1059T>A, p.Phe353Leu (NM_001378200.1, NM_001378201.1, NM_001378203.1 and 4 more transcripts); c.1068T>A, p.Phe356Leu (NM_001394212.1, NM_001394214.1, NM_001395657.1); c.1080T>A, p.Phe360Leu (NM_001394213.1, NM_001378192.1, NM_001378194.1 and 2 more transcripts); c.999T>A, p.Phe333Leu (NM_002942.5, NM_001378193.1, NM_001378197.1); short protein forms F353L, F356L, F337L, F333L, F349L, F360L.
Identifiers: ClinVar variation 4770828 (VCV004770828.1).